The following is an entry in ClinVar:

ClinVar aggregate classification (germline): Uncertain significance (1 of 4 stars; one submission).

Conditions:
Benign neonatal seizures. Also called: Benign familial neonatal seizures; Convulsions benign familial neonatal dominant form; Autosomal dominant form of benign neonatal seizures; Benign neonatal familial convulsions; Benign familial neonatal epilepsy. Identifiers: Orphanet 1949, MedGen C0220669, MONDO:0016027.

Allele frequency attached by ClinVar (database versions not stated): gnomAD 0.00001; gnomAD exomes 0.00002; TOPMed 0.00002.
gnomAD v4.1: 17 of 1,613,174 alleles (0.0011%); highest among the groups gnomAD compares: African/African-American, 0.004%; no homozygotes.

Submission:

Labcorp Genetics (formerly Invitae), Labcorp
Classification: Uncertain significance for Benign neonatal seizures. Last evaluated: 2019-12-13. Review status: criteria provided, single submitter. Criteria: Invitae Variant Classification Sherloc (09022015). Collection method: clinical testing. Allele origin: germline.
Comment: In summary, the available evidence is currently insufficient to determine the role of this variant in disease. Therefore, it has been classified as a Variant of Uncertain Significance. Algorithms developed to predict the effect of missense changes on protein structure and function output the following: SIFT: "Tolerated"; PolyPhen-2: "Benign"; Align-GVGD: "Class C0". The valine amino acid residue is found in multiple mammalian species, suggesting that this missense change does not adversely affect protein function. These predictions have not been confirmed by published functional studies and their clinical significance is uncertain. This variant has not been reported in the literature in individuals with KCNQ3-related conditions. This variant is not present in population databases (ExAC no frequency). This sequence change replaces alanine with valine at codon 497 of the KCNQ3 protein (p.Ala497Val). The alanine residue is moderately conserved and there is a small physicochemical difference between alanine and valine.

NM_004519.4(KCNQ3):c.1490C>T (p.Ala497Val)

Gene: KCNQ3 (potassium voltage-gated channel subfamily Q member 3; minus strand). Cytogenetic location: 8q24.22.
Variant type: single nucleotide variant.
Coding change: c.1490C>T on transcript NM_004519.4 (MANE Select); coding-DNA position 1490, C replaced by T.
Protein change: p.Ala497Val; replaces alanine 497 with valine.
Molecular consequence: missense variant.
Genome position (GRCh38, 1-based): chr8:132,140,154, G>A on the plus strand (C>T on the coding strand, the complement: KCNQ3 is on the minus strand). VCF-style: chr8-132140154-G-A. GRCh37 (hg19) VCF-style: chr8-133152401-G-A.
Other names: c.1130C>T, p.Ala377Val (NM_001204824.2); short protein forms A497V, A377V.
Identifiers: ClinVar variation 863207 (VCV000863207.10), dbSNP rs1048969639, ClinGen allele CA185432586.
Genomic context (GRCh38, chr8:132,140,154, plus strand): 5'-GCCTTCAGGGTGGGGATCATGTCTTCGATGGGGAAGTCATTCCCATAGCCCCTGTCTTCC[G>A]CCATGGGGTCACCTGTCCCGGCATCTGGGAGGGAGACACACATATGAACGGCAGGCCACA-3'
Protein context (NP_004510.1, residues 487-507): SEDAGTGDPM[Ala497Val]EDRGYGNDFP